The following is an entry in ClinVar:

NM_001244008.2(KIF1A):c.3829C>T (p.Arg1277Trp)

Genes: KIF1A (kinesin family member 1A; minus strand), LOC126806583 (P300/CBP strongly-dependent group 1 enhancer GRCh37_chr2:241678910-241680109; plus strand). Cytogenetic location: 2q37.3.
Variant type: single nucleotide variant.
Coding change: c.3829C>T on transcript NM_001244008.2 (MANE Select); coding-DNA position 3829, C replaced by T.
Protein change: p.Arg1277Trp; replaces arginine 1277 with tryptophan.
Molecular consequence: missense variant.
Genome position (GRCh38, 1-based): chr2:240,740,130, G>A on the plus strand (C>T on the coding strand, the complement: KIF1A is on the minus strand). VCF-style: chr2-240740130-G-A. GRCh37 (hg19) VCF-style: chr2-241679547-G-A.
Other names: c.3526C>T (NM_004321.7); c.3553C>T, p.Arg1185Trp (NM_001320705.2, NM_001330289.2, NM_001379638.1); c.3628C>T, p.Arg1210Trp (NM_001330290.2, NM_001379634.1, NM_001379635.1 and 1 more transcripts); c.3904C>T, p.Arg1302Trp (NM_001379631.1); c.3778C>T, p.Arg1260Trp (NM_001379632.1); c.3802C>T, p.Arg1268Trp (NM_001379633.1, NM_001379642.1, NM_001379645.1); c.3526C>T, p.Arg1176Trp (NM_001379636.1, NM_001379639.1, NM_001379641.1 and 5 more transcripts); c.3601C>T, p.Arg1201Trp (NM_001379637.1, NM_001379648.1); and 1 more; short protein forms R1210W, R1277W, R1176W, R1185W, R1175W, R1268W, R1302W, R1201W.
Identifiers: ClinVar variation 845809 (VCV000845809.16), dbSNP rs374076405, ClinGen allele CA68151605.

ClinVar aggregate classification (germline): Uncertain significance. Review status: criteria provided, multiple submitters, no conflicts (2 of 4 stars). 4 submissions from 4 submitters: Uncertain significance (4). Last evaluated 2024-11-18.

Conditions:
Hereditary spastic paraplegia 30. Identifiers: Orphanet 101010, MedGen C5235139, MONDO:0012476.
Neuropathy, hereditary sensory, type 2C. Also called: Hereditary sensory and autonomic neuropathy type IIC; KIF1A-Related HSAN2 (HSAN2C). Identifiers: Orphanet 970, MedGen C3280168, MONDO:0013634, OMIM 614213.
Intellectual disability, autosomal dominant 9 (NESCAVS). Also called: NESCAV SYNDROME; KIF1A-Related Neurodevelopmental Disorder. Identifiers: Orphanet 662367, MedGen C5393830, MONDO:0013656, OMIM 614255.
Hereditary spastic paraplegia. Also called: Familial spastic paraparesis. Identifiers: Orphanet 685, MedGen C0037773, MONDO:0019064. Disease mechanism: loss of function.
Inborn genetic diseases. Identifiers: MedGen C0950123, MeSH D030342.

Allele frequency attached by ClinVar (database versions not stated): gnomAD 0.00001; gnomAD exomes 0.00001; TOPMed 0.00002; ESP Exome Variant Server 0.00008.

Submissions (4):

Labcorp Genetics (formerly Invitae), Labcorp
Classification: Uncertain significance for Hereditary spastic paraplegia 30; Neuropathy, hereditary sensory, type 2C; Intellectual disability, autosomal dominant 9. Last evaluated: 2024-11-18. Review status: criteria provided, single submitter. Criteria: Invitae Variant Classification Sherloc (09022015). Collection method: clinical testing. Allele origin: germline.
Comment: This sequence change replaces arginine, which is basic and polar, with tryptophan, which is neutral and slightly polar, at codon 1176 of the KIF1A protein (p.Arg1176Trp). This variant is not present in population databases (gnomAD no frequency). This variant has not been reported in the literature in individuals affected with KIF1A-related conditions. ClinVar contains an entry for this variant (Variation ID: 845809). Invitae Evidence Modeling of protein sequence and biophysical properties (such as structural, functional, and spatial information, amino acid conservation, physicochemical variation, residue mobility, and thermodynamic stability) indicates that this missense variant is not expected to disrupt KIF1A protein function with a negative predictive value of 95%. In summary, the available evidence is currently insufficient to determine the role of this variant in disease. Therefore, it has been classified as a Variant of Uncertain Significance.

Women's Health and Genetics/Laboratory Corporation of America, LabCorp
Classification: Uncertain significance. Last evaluated: 2023-07-06. Review status: criteria provided, single submitter. Criteria: LabCorp Variant Classification Summary - May 2015. Collection method: clinical testing. Allele origin: germline.
Comment: Variant summary: KIF1A c.3526C>T (p.Arg1176Trp) results in a non-conservative amino acid change located in the Kinesin-like (IPR022164) of the encoded protein sequence. Five of five in-silico tools predict a damaging effect of the variant on protein function. The variant was absent in 209338 control chromosomes (gnomAD). The available data on variant occurrences in the general population are insufficient to allow any conclusion about variant significance. To our knowledge, no occurrence of c.3526C>T in individuals affected with NESCAV Syndrome and no experimental evidence demonstrating its impact on protein function have been reported. Three submitters have cited clinical-significance assessments for this variant to ClinVar after 2014. All submitters classified the variant as uncertain significance. Based on the evidence outlined above, the variant was classified as uncertain significance.

Ambry Genetics
Classification: Uncertain significance for Inborn genetic diseases. Last evaluated: 2019-10-31. Review status: criteria provided, single submitter. Criteria: Ambry Variant Classification Scheme 2023. Collection method: clinical testing. Allele origin: germline.
Comment: The p.R1277W variant (also known as c.3829C>T), located in coding exon 36 of the KIF1A gene, results from a C to T substitution at nucleotide position 3829. The arginine at codon 1277 is replaced by tryptophan, an amino acid with dissimilar properties. This amino acid position is highly conserved in available vertebrate species. In addition, this alteration is predicted to be deleterious by in silico analysis. Since supporting evidence is limited at this time, the clinical significance of this alteration remains unclear.

Genome Diagnostics Laboratory, The Hospital for Sick Children
Classification: Uncertain significance for Hereditary spastic paraplegia. Last evaluated: 2019-04-01. Review status: criteria provided, single submitter. Criteria: ACMG Guidelines, 2015. Collection method: clinical testing. Allele origin: germline. Affected: yes.